The following is an entry in ClinVar:

NM_000157.4(GBA1):c.596del (p.Leu199fs)

Genes: GBA1 (glucosylceramidase beta 1; minus strand), LOC106627981 (GBA recombination region; plus strand). Cytogenetic location: 1q22.
Variant type: Deletion.
Coding change: c.596del on transcript NM_000157.4 (MANE Select); coding-DNA position 596, one base deleted (T; older notation c.596delT).
Protein change: p.Leu199fs; shifts the reading frame from leucine 199.
Molecular consequence: frameshift variant.
Genome position (GRCh38, 1-based): chr1:155,238,299, A deleted on the plus strand (T on the coding strand, the reverse complement: GBA1 is on the minus strand). VCF-style (leftmost placement, unchanged base first): chr1-155238298-CA-C. GRCh37 (hg19) VCF-style: chr1-155208089-CA-C.
Other names: c.596del, p.Leu199fs (NM_001005741.3, NM_001005742.3); c.335del, p.Leu112fs (NM_001171811.2); c.449del, p.Leu150fs (NM_001171812.2); short protein forms L112fs, L150fs, L199fs.
Identifiers: ClinVar variation 4817782 (VCV004817782.1).

ClinVar aggregate classification (germline): Likely pathogenic (1 of 4 stars; one submission).

Conditions:
Gaucher disease. Also called: Acute cerebral Gaucher disease; Cerebroside lipidosis syndrome; Gaucher splenomegaly; Sphingolipidosis 1; Glucocerebrosidosis; Glucosylceramidase deficiency. Identifiers: Orphanet 355, MedGen C0017205, MONDO:0018150.

Submission:

Natera, Inc.
Classification: Likely pathogenic for Gaucher disease. Last evaluated: 2025-11-24. Review status: criteria provided, single submitter. Criteria: Natera Variant Classification Schema (03/2026). Collection method: clinical testing. Allele origin: germline.
Comment: The c.596del variant in GBA1 is a frameshift variant predicted to shift the reading frame beginning at codon 199 and leads to a stop codon 32 codons downstream. This variant is expected to result in nonsense mediated decay, truncation, or a dysfunctional protein product. This variant is rare in the general population with a frequency below the threshold expected for the associated phenotype(s). Given the available evidence, this variant is classified as Likely Pathogenic.